The following is an entry in ClinVar:

NM_018089.3(ANKZF1):c.643G>A (p.Gly215Arg)

Gene: ANKZF1 (ankyrin repeat and zinc finger peptidyl tRNA hydrolase 1; plus strand). Cytogenetic location: 2q35.
Variant type: single nucleotide variant.
Coding change: c.643G>A on transcript NM_018089.3 (MANE Select); coding-DNA position 643, G replaced by A.
Protein change: p.Gly215Arg; replaces glycine 215 with arginine.
Molecular consequence: missense variant.
Genome position (GRCh38, 1-based): chr2:219,233,163, G>A. VCF-style: chr2-219233163-G-A. GRCh37 (hg19) VCF-style: chr2-220097885-G-A.
Other names: c.643G>A, p.Gly215Arg (NM_001042410.2); c.13G>A, p.Gly5Arg (NM_001282792.2); short protein forms G5R, G215R.
Identifiers: ClinVar variation 1351147 (VCV001351147.8), dbSNP rs1951092173, ClinGen allele CA350674627.

ClinVar aggregate classification (germline): Uncertain significance (1 of 4 stars; one submission).

Submission:

Labcorp Genetics (formerly Invitae), Labcorp
Classification: Uncertain significance. Last evaluated: 2021-05-04. Review status: criteria provided, single submitter. Criteria: Invitae Variant Classification Sherloc (09022015). Collection method: clinical testing. Allele origin: germline.
Comment: In summary, the available evidence is currently insufficient to determine the role of this variant in disease. Therefore, it has been classified as a Variant of Uncertain Significance. Algorithms developed to predict the effect of missense changes on protein structure and function (SIFT, PolyPhen-2, Align-GVGD) all suggest that this variant is likely to be disruptive, but these predictions have not been confirmed by published functional studies and their clinical significance is uncertain. This variant has not been reported in the literature in individuals with ANKZF1-related conditions. This variant is not present in population databases (ExAC no frequency). This sequence change replaces glycine with arginine at codon 215 of the ANKZF1 protein (p.Gly215Arg). The glycine residue is highly conserved and there is a moderate physicochemical difference between glycine and arginine.